The following is an entry in ClinVar:

ClinVar aggregate classification (germline): Conflicting classifications of pathogenicity. Review status: criteria provided, conflicting classifications (1 of 4 stars). 9 submissions from 9 submitters: Pathogenic (1); Likely pathogenic (1); Uncertain significance (7). Last evaluated 2025-12-08.

Conditions:
Inborn genetic diseases. Identifiers: MedGen C0950123, MeSH D030342.
Meckel-Gruber syndrome. Also called: Dysencephalia splachnocystica; DYSENCEPHALIA SPLANCHNOCYSTICA; GRUBER SYNDROME. Identifiers: Orphanet 564, MedGen C0265215, MONDO:0018921.
Joubert syndrome. Also called: JOUBERT-BOLTSHAUSER SYNDROME; Familial aplasia of the vermis. Identifiers: Orphanet 475, MedGen C5979921, MONDO:0018772.
Joubert syndrome 9 (JBTS9). Identifiers: Orphanet 2318, MedGen C2676788, MONDO:0012849, OMIM 612285.
Meckel syndrome, type 6. Identifiers: Orphanet 564, MedGen C2676790, MONDO:0012848, OMIM 612284.
Retinitis pigmentosa 93. Identifiers: MedGen C5676970, MONDO:0030797, OMIM 619845.
COACH syndrome 2. Identifiers: MedGen C5436837, MONDO:0030859, OMIM 619111.

Submissions (9):

Labcorp Genetics (formerly Invitae), Labcorp
Classification: Pathogenic for Joubert syndrome; Meckel-Gruber syndrome. Last evaluated: 2025-12-08. Review status: criteria provided, single submitter. Criteria: Invitae Variant Classification Sherloc (09022015). Collection method: clinical testing. Allele origin: germline.
Comment: This variant, c.2999_3001del, results in the deletion of 1 amino acid(s) of the CC2D2A protein (p.Glu1000del), but otherwise preserves the integrity of the reading frame. This variant is present in population databases (rs764874938, gnomAD 0.007%). This variant has not been reported in the literature in individuals affected with CC2D2A-related conditions. ClinVar contains an entry for this variant (Variation ID: 493392). This variant disrupts a region of the CC2D2A protein in which other variant(s) (p.Glu1000Val) have been determined to be pathogenic (PMID: 26092869, 26310553). This suggests that this is a clinically significant region of the protein, and that variants that disrupt it are likely to be disease-causing. For these reasons, this variant has been classified as Pathogenic.

Fulgent Genetics
Classification: Uncertain significance for Meckel syndrome, type 6; Joubert syndrome 9; COACH syndrome 2; Retinitis pigmentosa 93. Last evaluated: 2024-06-13. Review status: criteria provided, single submitter. Criteria: ACMG Guidelines, 2015. Collection method: clinical testing. Allele origin: germline.

Broad Center for Mendelian Genomics, Broad Institute of MIT and Harvard
Classification: Uncertain significance for Joubert syndrome 9. Last evaluated: 2022-05-04. Review status: criteria provided, single submitter. Criteria: ACMG Guidelines, 2015. Collection method: curation. Allele origin: germline. Inheritance: Autosomal recessive inheritance.
Comment: The variant has not been previously reported in individuals with Joubert syndrome 9 but has been identified in 0.007% (8/116028) of European non-Finnish chromosomes by the Genome Aggregation Database (gnomAD; dbSNP ID: rs764874938). Although this variant has been seen in the general population, its frequency is low enough to be consistent with a recessive carrier frequency. This variant has also been reported in ClinVar (Variation ID: 493392) as having uncertain significance by EGL Genetic Diagnostics, Eurofins Clinical Diagnostics, and CeGaT Praxis fuer Humangenetik Tuebingen. This variant is a deletion of 3 bases at position 2999 and is not predicted to alter the protein reading-frame. It is unclear if this deletion will impact the protein. In summary, while there is some suspicion for a pathogenic role, the clinical significance of this variant is uncertain. ACMG/AMP Criteria applied: PM2, PM4_supporting, PM3_supporting (Richards 2015).

3billion
Classification: Uncertain significance for Joubert syndrome 9. Last evaluated: 2022-01-03. Review status: criteria provided, single submitter. Criteria: ACMG Guidelines, 2015. Collection method: clinical testing. Allele origin: germline. Affected: yes. Observed: 1 heterozygote.
Comment: This inframe deletion in the non-repeat region can change the length of the protein and disrupt protein function (PM4_M). It is observed at an extremely low frequency in the gnomAD v2.1.1 dataset (total allele frequency: 0.000041, PM2_M). Therefore, this variant is classified as uncertain significance according to the recommendation of ACMG/AMP guideline.

MGZ Medical Genetics Center
Classification: Uncertain significance for Joubert syndrome 9. Last evaluated: 2021-11-18. Review status: criteria provided, single submitter. Criteria: ACMG Guidelines, 2015. Collection method: clinical testing. Allele origin: germline. Affected: yes. Observed: 1 variant allele.
Comment: ACMG criteria applied: PM2_SUP, BP3

Ambry Genetics
Classification: Uncertain significance for Inborn genetic diseases. Last evaluated: 2021-04-14. Review status: criteria provided, single submitter. Criteria: Ambry Variant Classification Scheme 2023. Collection method: clinical testing. Allele origin: germline.
Comment: The c.2999_3001delAAG (p.E1000del) alteration is located in exon 24 (coding exon 22) of the CC2D2A gene. This alteration consists of an in-frame deletion of 3 nucleotides between nucleotide positions c.2999 and c.3001, resulting in the deletion of 1 residue. Based on insufficient or conflicting evidence, the clinical significance of this alteration remains unclear.

CeGaT Center for Human Genetics Tuebingen
Classification: Uncertain significance. Last evaluated: 2017-08-01. Review status: criteria provided, single submitter. Criteria: CeGaT Center For Human Genetics Tuebingen Variant Classification Criteria Version 2. Collection method: clinical testing. Allele origin: germline. Affected: yes. Observed: 2 variant alleles.

Eurofins Ntd Llc (ga)
Classification: Uncertain significance. Last evaluated: 2016-12-20. Review status: criteria provided, single submitter. Criteria: EGL Classification Definitions 2015. Collection method: clinical testing. Allele origin: germline. Observed: 1 variant allele, 1 heterozygote.

Kariminejad - Najmabadi Pathology & Genetics Center
Classification: Likely pathogenic for COACH syndrome 2. Review status: criteria provided, single submitter. Criteria: ACMG Guidelines, 2015. Collection method: clinical testing. Allele origin: germline. Affected: no.

Literature cited by the submitters: PubMed 26092869 (cited by Labcorp Genetics (formerly Invitae), Labcorp); PubMed 26310553 (cited by Labcorp Genetics (formerly Invitae), Labcorp).

NM_001378615.1(CC2D2A):c.2993AAG[2] (p.Glu1000del)

Genes: CC2D2A (coiled-coil and C2 domain containing 2A; plus strand), FBXL5 (F-box and leucine rich repeat protein 5; minus strand). Cytogenetic location: 4p15.32.
Variant type: Microsatellite.
Coding change: c.2993AAG[2] on transcript NM_001378615.1 (MANE Select); two copies in a row of the 3-base unit AAG starting at c.2993; the reference has three copies in a row; one copy, 3 bases deleted; also written c.2999_3001del.
Protein change: p.Glu1000del; deletes glutamic acid 1000.
Molecular consequence: inframe deletion.
Genome position (GRCh38, 1-based): chr4:15,560,607-15,560,609, AAG deleted; deleting any 3 consecutive bases within chr4:15,560,599-15,560,609 gives the same sequence; the position shown is the placement nearest the transcript's 3' end. VCF-style (leftmost placement, unchanged base first): chr4-15560598-TAGA-T. GRCh37 (hg19) VCF-style: chr4-15562221-TAGA-T.
Other names: NM_001080522.2(CC2D2A):c.2993_2995AAG[2]; p.Glu1000del; c.2993AAG[2], p.Glu1000del (NM_001080522.2); c.2846AAG[2], p.Glu951del (NM_001378617.1); c.2999_3001del (NM_001378615.1, NM_001080522.2); c.2999_3001delAAG (NM_001080522.2); short protein forms E1000del, E951del.
Identifiers: ClinVar variation 493392 (VCV000493392.58), dbSNP rs764874938, ClinGen allele CA2864046.